The following is an entry in ClinVar:

NM_001382567.1(STIM1):c.2063A>C (p.Asp688Ala)

Genes: STIM1 (stromal interaction molecule 1; plus strand), LOC124418421 (Sharpr-MPRA regulatory region 9588; plus strand). Cytogenetic location: 11p15.4.
Variant type: single nucleotide variant.
Coding change: c.2063A>C on transcript NM_001382567.1 (MANE Select); coding-DNA position 2063, A replaced by C.
Protein change: p.Asp688Ala; replaces aspartic acid 688 with alanine.
Molecular consequence: missense variant. On other transcripts: 3 prime UTR variant (4), non-coding transcript variant (3).
Genome position (GRCh38, 1-based): chr11:4,091,710, A>C. VCF-style: chr11-4091710-A-C. GRCh37 (hg19) VCF-style: chr11-4112940-A-C.
Other names: c.2288A>C, p.Asp763Ala (NM_001277961.3); c.*384A>C (NM_001277962.2, NM_001382578.1, NM_001382579.1 and 1 more transcripts); c.2066A>C, p.Asp689Ala (NM_001382566.1); c.1991A>C, p.Asp664Ala (NM_001382568.1); c.1835A>C, p.Asp612Ala (NM_001382569.1); c.1742A>C, p.Asp581Ala (NM_001382570.1); c.1490A>C, p.Asp497Ala (NM_001382571.1); c.1748A>C, p.Asp583Ala (NM_001382575.1, NM_001382576.1, NM_001382577.1); and 2 more; short protein forms D612A, D689A, D763A, D497A, D581A, D494A, D583A, D657A.
Identifiers: ClinVar variation 2051443 (VCV002051443.4), dbSNP rs201231955, ClinGen allele CA216534282.

ClinVar aggregate classification (germline): Uncertain significance (1 of 4 stars; one submission).

Conditions:
Combined immunodeficiency due to STIM1 deficiency. Also called: IMMUNODEFICIENCY 10; STIM1 DEFICIENCY. Identifiers: Orphanet 169090, Orphanet 317430, MedGen C2748557, MONDO:0013008, OMIM 612783.
Myopathy with tubular aggregates (TAM). Also called: Tubular Aggregate Myopathy. Identifiers: Orphanet 2593, MedGen C0410207, MONDO:0008051.
Stormorken syndrome (STRMK). Also called: THROMBOCYTOPATHY, ASPLENIA, AND MIOSIS. Identifiers: Orphanet 3204, MedGen C1861451, MONDO:0008497, OMIM 185070.

Allele frequency attached by ClinVar (database versions not stated): gnomAD exomes below 0.00001; TOPMed below 0.00001.
gnomAD v4.1: 1 of 1,614,136 alleles (0.000062%); highest among the groups gnomAD compares: Non-Finnish European, 0.000085%; no homozygotes.

Submission:

Labcorp Genetics (formerly Invitae), Labcorp
Classification: Uncertain significance for Myopathy with tubular aggregates; Combined immunodeficiency due to STIM1 deficiency; Stormorken syndrome. Last evaluated: 2024-01-08. Review status: criteria provided, single submitter. Criteria: Invitae Variant Classification Sherloc (09022015). Collection method: clinical testing. Allele origin: germline.
Comment: This sequence change replaces aspartic acid, which is acidic and polar, with alanine, which is neutral and non-polar, at codon 657 of the STIM1 protein (p.Asp657Ala). This variant is not present in population databases (gnomAD no frequency). This variant has not been reported in the literature in individuals affected with STIM1-related conditions. ClinVar contains an entry for this variant (Variation ID: 2051443). Advanced modeling of protein sequence and biophysical properties (such as structural, functional, and spatial information, amino acid conservation, physicochemical variation, residue mobility, and thermodynamic stability) has been performed at Invitae for this missense variant, however the output from this modeling did not meet the statistical confidence thresholds required to predict the impact of this variant on STIM1 protein function. In summary, the available evidence is currently insufficient to determine the role of this variant in disease. Therefore, it has been classified as a Variant of Uncertain Significance.